The following is an entry in ClinVar:

ClinVar aggregate classification (germline): Uncertain significance. Review status: criteria provided, multiple submitters, no conflicts (2 of 4 stars). 2 submissions from 2 submitters: Uncertain significance (2). Last evaluated 2025-12-04.

Allele frequency attached by ClinVar (database versions not stated): gnomAD 0.00001; gnomAD exomes 0.00001; ExAC 0.00003; TOPMed 0.00003.
gnomAD v4.1: 22 of 1,613,778 alleles (0.0014%); highest among the groups gnomAD compares: Admixed American, 0.018%; no homozygotes.

Submissions (3):

Ambry Genetics
Classification: Uncertain significance. Last evaluated: 2025-12-04. Review status: criteria provided, single submitter. Criteria: Ambry Variant Classification Scheme 2023. Collection method: clinical testing. Allele origin: germline.

Labcorp Genetics (formerly Invitae), Labcorp
Classification: Uncertain significance. Last evaluated: 2025-09-02. Review status: criteria provided, single submitter. Criteria: Invitae Variant Classification Sherloc (09022015). Collection method: clinical testing. Allele origin: germline.
Comment: This sequence change replaces arginine, which is basic and polar, with tryptophan, which is neutral and slightly polar, at codon 155 of the MICAL1 protein (p.Arg155Trp). This variant is present in population databases (rs772793278, gnomAD 0.03%). This variant has not been reported in the literature in individuals affected with MICAL1-related conditions. ClinVar contains an entry for this variant (Variation ID: 2420339). An algorithm developed to predict the effect of missense changes on protein structure and function (PolyPhen-2) suggests that this variant is likely to be disruptive. In summary, the available evidence is currently insufficient to determine the role of this variant in disease. Therefore, it has been classified as a Variant of Uncertain Significance.

Dr. Peter K. Rogan Lab, Western University
No classification provided (evidence only). Condition: Malignant tumor of urinary bladder. Review status: no classification provided. Collection method: in vitro. Allele origin: not applicable. Functional consequence: retained intron. Not counted in ClinVar's aggregate classification.

NM_022765.4(MICAL1):c.406C>T (p.Arg136Trp)

Gene: MICAL1 (microtubule associated monooxygenase, calponin and LIM domain containing 1; minus strand). Cytogenetic location: 6q21.
Variant type: single nucleotide variant.
Coding change: c.406C>T on transcript NM_022765.4 (MANE Select); coding-DNA position 406, C replaced by T.
Protein change: p.Arg136Trp; replaces arginine 136 with tryptophan.
Molecular consequence: missense variant.
Genome position (GRCh38, 1-based): chr6:109,453,698, G>A on the plus strand (C>T on the coding strand, the complement: MICAL1 is on the minus strand). VCF-style: chr6-109453698-G-A. GRCh37 (hg19) VCF-style: chr6-109774901-G-A.
Other names: c.406C>T, p.Arg136Trp (NM_001159291.2); c.463C>T, p.Arg155Trp (NM_001286613.2); c.406C>T (NM_022765.3); short protein forms R136W, R155W.
Identifiers: ClinVar variation 2420339 (VCV002420339.8), dbSNP rs772793278, ClinGen allele CA3953795.